The following is an entry in ClinVar:

NM_133510.4(RAD51B):c.527A>G (p.Lys176Arg)

Gene: RAD51B (RAD51 paralog B; plus strand). Cytogenetic location: 14q24.1.
Variant type: single nucleotide variant.
Coding change: c.527A>G on transcript NM_133510.4 (MANE Select); coding-DNA position 527, A replaced by G.
Protein change: p.Lys176Arg; replaces lysine 176 with arginine.
Molecular consequence: missense variant.
Genome position (GRCh38, 1-based): chr14:67,885,943, A>G. VCF-style: chr14-67885943-A-G. GRCh37 (hg19) VCF-style: chr14-68352660-A-G.
Other names: c.527A>G, p.Lys176Arg (NM_001321809.2, NM_001321810.2, NM_001321812.1 and 6 more transcripts); c.413A>G, p.Lys138Arg (NM_001321815.1); c.170A>G, p.Lys57Arg (NM_001321817.2); short protein forms K57R, K138R, K176R.
Identifiers: ClinVar variation 3942321 (VCV003942321.1).

ClinVar aggregate classification (germline): Uncertain significance (1 of 4 stars; one submission).

Submission:

Ambry Genetics
Classification: Uncertain significance. Last evaluated: 2025-05-18. Review status: criteria provided, single submitter. Criteria: Ambry Variant Classification Scheme 2023. Collection method: clinical testing. Allele origin: germline.
Comment: The p.K176R variant (also known as c.527A>G), located in coding exon 5 of the RAD51B gene, results from an A to G substitution at nucleotide position 527. The lysine at codon 176 is replaced by arginine, an amino acid with highly similar properties. This amino acid position is conserved. In addition, this alteration is predicted to be tolerated by in silico analysis. Based on the available evidence, the clinical significance of this variant remains unclear.